The following is an entry in ClinVar:

ClinVar aggregate classification (germline): Likely pathogenic (1 of 4 stars; one submission).

Conditions:
LZTR1-related disorder. Also called: LZTR1-related disorders; LZTR1-related condition.

Submission:

PreventionGenetics, part of Exact Sciences
Classification: Likely pathogenic for LZTR1-related condition. Last evaluated: 2024-12-26. Review status: criteria provided, single submitter. Criteria: ACMG Guidelines, 2015. Collection method: clinical testing. Allele origin: germline.
Comment: The LZTR1 c.1078_1082del5 variant is predicted to result in a frameshift and premature protein termination (p.Lys360Profs*65). To our knowledge, this variant has not been reported in the literature or in a large population database (gnomAD), indicating this variant is rare. Frameshift variants in LZTR1 are expected to be pathogenic. This variant is interpreted as likely pathogenic.

NM_006767.4(LZTR1):c.1078_1082del (p.Lys360fs)

Gene: LZTR1 (leucine zipper like post translational regulator 1; plus strand). Cytogenetic location: 22q11.21.
Variant type: Deletion.
Coding change: c.1078_1082del on transcript NM_006767.4 (MANE Select); coding-DNA positions 1078 to 1082, 5 bases deleted (AAGTC; older notation c.1078_1082delAAGTC).
Protein change: p.Lys360fs; shifts the reading frame from lysine 360.
Molecular consequence: frameshift variant.
Genome position (GRCh38, 1-based): chr22:20,992,298-20,992,302, AAGTC deleted. VCF-style (leftmost placement, unchanged base first): chr22-20992297-GAAGTC-G. GRCh37 (hg19) VCF-style: chr22-21346586-GAAGTC-G.
Other names: short protein forms K360fs.
Identifiers: ClinVar variation 4998286 (VCV004998286.1).